The following is an entry in ClinVar:

NM_005751.5(AKAP9):c.10896+3A>G

Gene: AKAP9 (A-kinase anchoring protein 9; plus strand). Cytogenetic location: 7q21.2.
Variant type: single nucleotide variant.
Coding change: c.10896+3A>G on transcript NM_005751.5 (MANE Select); 3 bases into the intron after coding-DNA position 10896, A replaced by G.
Molecular consequence: intron variant.
Genome position (GRCh38, 1-based): chr7:92,099,872, A>G. VCF-style: chr7-92099872-A-G. GRCh37 (hg19) VCF-style: chr7-91729186-A-G.
Other names: c.10872+3A>G (NM_147185.3); c.5541+3A>G (NM_001379277.1).
Identifiers: ClinVar variation 2837273 (VCV002837273.3), dbSNP rs2535309108, ClinGen allele CA2739266569.

ClinVar aggregate classification (germline): Uncertain significance (1 of 4 stars; one submission).

Conditions:
Long QT syndrome (LQTS). Identifiers: MedGen C0023976, MeSH D008133, MONDO:0002442. Disease mechanism: loss of function. Inheritance: Various modes of inheritance.

Submission:

Labcorp Genetics (formerly Invitae), Labcorp
Classification: Uncertain significance for Long QT syndrome. Last evaluated: 2023-02-14. Review status: criteria provided, single submitter. Criteria: Invitae Variant Classification Sherloc (09022015). Collection method: clinical testing. Allele origin: germline.
Comment: This sequence change falls in intron 44 of the AKAP9 gene. It does not directly change the encoded amino acid sequence of the AKAP9 protein. It affects a nucleotide within the consensus splice site. This variant is not present in population databases (gnomAD no frequency). This variant has not been reported in the literature in individuals affected with AKAP9-related conditions. Variants that disrupt the consensus splice site are a relatively common cause of aberrant splicing (PMID: 17576681, 9536098). Algorithms developed to predict the effect of sequence changes on RNA splicing suggest that this variant may disrupt the consensus splice site. In summary, the available evidence is currently insufficient to determine the role of this variant in disease. Therefore, it has been classified as a Variant of Uncertain Significance.

Literature cited by the submitters: PubMed 17576681; PubMed 9536098.